The following is an entry in ClinVar:

ClinVar aggregate classification (germline): Uncertain significance (1 of 4 stars; one submission).

Submission:

GeneDx
Classification: Uncertain significance. Last evaluated: 2019-10-10. Review status: criteria provided, single submitter. Criteria: GeneDx Variant Classification Process June 2021. Collection method: clinical testing. Allele origin: germline. Affected: yes.
Comment: In silico analysis, which includes protein predictors and evolutionary conservation, supports a deleterious effect; Not observed in large population cohorts (Lek et al., 2016); This variant is associated with the following publications: (PMID: 19846429)

NM_001278116.2(L1CAM):c.2260T>A (p.Trp754Arg)

Gene: L1CAM (L1 cell adhesion molecule; minus strand). Cytogenetic location: Xq28.
Variant type: single nucleotide variant.
Coding change: c.2260T>A on transcript NM_001278116.2 (MANE Select); coding-DNA position 2260, T replaced by A.
Protein change: p.Trp754Arg; replaces tryptophan 754 with arginine.
Molecular consequence: missense variant.
Genome position (GRCh38, 1-based): chrX:153,866,820, A>T on the plus strand (T>A on the coding strand, the complement: L1CAM is on the minus strand). VCF-style: chrX-153866820-A-T. GRCh37 (hg19) VCF-style: chrX-153132275-A-T.
Other names: c.2260T>A, p.Trp754Arg (NM_000425.5, NM_024003.3); c.2245T>A, p.Trp749Arg (NM_001143963.2); short protein forms W749R, W754R.
Identifiers: ClinVar variation 1303055 (VCV001303055.2), dbSNP rs2148495173, ClinGen allele CA415120646.